The following is an entry in ClinVar:

NM_001114753.3(ENG):c.633C>T (p.Gly211=)

Gene: ENG (endoglin; minus strand). Cytogenetic location: 9q34.11.
Variant type: single nucleotide variant.
Coding change: c.633C>T on transcript NM_001114753.3 (MANE Select); coding-DNA position 633, C replaced by T.
Protein change: p.Gly211=; no amino-acid change (glycine 211 retained).
Molecular consequence: synonymous variant.
Genome position (GRCh38, 1-based): chr9:127,825,751, G>A on the plus strand (C>T on the coding strand, the complement: ENG is on the minus strand). VCF-style: chr9-127825751-G-A. GRCh37 (hg19) VCF-style: chr9-130588030-G-A.
Other names: c.633C>T, p.Gly211= (NM_000118.4, NM_001406715.1); c.87C>T, p.Gly29= (NM_001278138.2).
Identifiers: ClinVar variation 647820 (VCV000647820.14), dbSNP rs928192105, ClinGen allele CA200314049.

ClinVar aggregate classification (germline): Conflicting classifications of pathogenicity. Review status: criteria provided, conflicting classifications (1 of 4 stars). 2 submissions from 2 submitters: Uncertain significance (1); Likely benign (1). Last evaluated 2024-08-14.

Conditions:
Hereditary hemorrhagic telangiectasia (HHT). Also called: ORW DISEASE; Osler Weber Rendu syndrome; OSLER-RENDU-WEBER DISEASE; Osler hemorrhagic telangiectasia syndrome. Identifiers: Orphanet 774, MedGen C0039445, MONDO:0019180. Disease mechanism: loss of function.
Telangiectasia, hereditary hemorrhagic, type 1 (HHT1). Also called: Osler Weber Rendu syndrome type 1; ENG-Related Hereditary Hemorrhagic Telangiectasia. Identifiers: Orphanet 774, MedGen C4551861, MONDO:0008535, OMIM 187300. Disease mechanism: loss of function.

Allele frequency attached by ClinVar (database versions not stated): TOPMed 0.00002; gnomAD 0.00001.
gnomAD v4.1: 4 of 1,599,722 alleles (0.00025%); highest among the groups gnomAD compares: African/African-American, 0.0027%; no homozygotes.

Submissions (2):

Labcorp Genetics (formerly Invitae), Labcorp
Classification: Likely benign for Hereditary hemorrhagic telangiectasia. Last evaluated: 2024-08-14. Review status: criteria provided, single submitter. Criteria: Invitae Variant Classification Sherloc (09022015). Collection method: clinical testing. Allele origin: germline.

ARUP Laboratories, Molecular Genetics and Genomics, ARUP Laboratories
Classification: Uncertain significance for Telangiectasia, hereditary hemorrhagic, type 1. Last evaluated: 2022-04-01. Review status: criteria provided, single submitter. Criteria: ARUP Molecular Germline Variant Investigation Process 2021. Collection method: clinical testing. Allele origin: germline.
Comment: The ENG c.633C>T; p.Gly211= variant (rs928192105), to our knowledge, is not reported in the medical literature but is reported in ClinVar (Variation ID: 647820). This variant is absent from the Genome Aggregation Database, indicating it is not a common polymorphism. This is a synonymous variant in a weakly conserved nucleotide, but computational analyses (Alamut v.2.11) predict that this variant may impact splicing by creating a novel cryptic donor splice site. However, given the lack of clinical and functional data, the significance of this variant is uncertain at this time.